The following is an entry in ClinVar:

ClinVar aggregate classification (germline): Likely benign (1 of 4 stars; one submission).

Allele frequency attached by ClinVar (database versions not stated): ExAC 0.00010; gnomAD exomes 0.00010; TOPMed 0.00010; gnomAD 0.00011; 1000 Genomes Project 30x 0.00016; 1000 Genomes Project 0.00020.
gnomAD v4.1: 151 of 1,520,696 alleles (0.0099%); highest among the groups gnomAD compares: Middle Eastern, 0.11%; no homozygotes.

Submission:

CeGaT Center for Human Genetics Tuebingen
Classification: Likely benign. Last evaluated: 2022-11-01. Review status: criteria provided, single submitter. Criteria: CeGaT Center For Human Genetics Tuebingen Variant Classification Criteria Version 2. Collection method: clinical testing. Allele origin: germline. Affected: yes. Observed: 1 variant allele.
Comment: ARHGEF28: BP4, BP7

NM_001177693.2(ARHGEF28):c.4623G>A (p.Ala1541=)

Gene: ARHGEF28 (Rho guanine nucleotide exchange factor 28; plus strand). Cytogenetic location: 5q13.2.
Variant type: single nucleotide variant.
Coding change: c.4623G>A on transcript NM_001177693.2 (MANE Select); coding-DNA position 4623, G replaced by A.
Protein change: p.Ala1541=; no amino-acid change (alanine 1541 retained).
Molecular consequence: synonymous variant.
Genome position (GRCh38, 1-based): chr5:73,909,873, G>A. VCF-style: chr5-73909873-G-A. GRCh37 (hg19) VCF-style: chr5-73205698-G-A.
Other names: c.4623G>A, p.Ala1541= (NM_001080479.3, NM_001388078.1); c.3684G>A, p.Ala1228= (NM_001244364.2); c.4329G>A, p.Ala1443= (NM_001388076.1).
Identifiers: ClinVar variation 2655529 (VCV002655529.24), dbSNP rs552374178, ClinGen allele CA3305380.